The following is an entry in ClinVar:

ClinVar aggregate classification (germline): Likely pathogenic (1 of 4 stars; one submission).

Conditions:
Congenital disorder of glycosylation with defective fucosylation 1 (CDGF1). Identifiers: MedGen CN258220, MONDO:0020775, OMIM 618005.

Allele frequency attached by ClinVar (database versions not stated): gnomAD exomes below 0.00001; ESP Exome Variant Server 0.00008; TOPMed below 0.00001.
gnomAD v4.1: 4 of 1,614,156 alleles (0.00025%); highest among the groups gnomAD compares: Non-Finnish European, 0.00034%; no homozygotes.

Submission:

3billion
Classification: Likely pathogenic for Congenital disorder of glycosylation with defective fucosylation 1. Last evaluated: 2022-05-22. Review status: criteria provided, single submitter. Criteria: ACMG Guidelines, 2015. Collection method: clinical testing. Allele origin: germline. Affected: yes. Observed: 1 heterozygote.
Comment: The variant is observed at an extremely low frequency in the gnomAD v2.1.1 dataset (total allele frequency: <0.001%). Stop-gained (nonsense): predicted to result in a loss or disruption of normal protein function through nonsense-mediated decay (NMD) or protein truncation. Multiple pathogenic variants are reported downstream of the variant. Therefore, this variant is classified as likely pathogenic according to the recommendation of ACMG/AMP guideline.

NM_001371533.1(FUT8):c.952C>T (p.Arg318Ter)

Gene: FUT8 (fucosyltransferase 8; plus strand). Cytogenetic location: 14q23.3.
Variant type: single nucleotide variant.
Coding change: c.952C>T on transcript NM_001371533.1 (MANE Select); coding-DNA position 952, C replaced by T.
Protein change: p.Arg318Ter; replaces arginine 318 with a stop codon.
Molecular consequence: nonsense.
Genome position (GRCh38, 1-based): chr14:65,721,891, C>T. VCF-style: chr14-65721891-C-T. GRCh37 (hg19) VCF-style: chr14-66188609-C-T.
Other names: c.952C>T, p.Arg318Ter (NM_001371534.1, NM_178155.3, NM_178156.2); c.1054C>T, p.Arg352Ter (NM_001371536.1); c.463C>T, p.Arg155Ter (NM_004480.4); short protein forms R155*, R318*, R352*.
Identifiers: ClinVar variation 1687283 (VCV001687283.1), dbSNP rs371242983, ClinGen allele CA262924381.